The following is an entry in ClinVar:

NM_001127222.2(CACNA1A):c.953A>C (p.Glu318Ala)

Gene: CACNA1A (calcium voltage-gated channel subunit alpha1 A; minus strand). Cytogenetic location: 19p13.13.
Variant type: single nucleotide variant.
Coding change: c.953A>C on transcript NM_001127222.2 (MANE Select); coding-DNA position 953, A replaced by C.
Protein change: p.Glu318Ala; replaces glutamic acid 318 with alanine.
Molecular consequence: missense variant.
Genome position (GRCh38, 1-based): chr19:13,359,631, T>G on the plus strand (A>C on the coding strand, the complement: CACNA1A is on the minus strand). VCF-style: chr19-13359631-T-G. GRCh37 (hg19) VCF-style: chr19-13470445-T-G.
Other names: c.953A>C, p.Glu318Ala (NM_000068.4, NM_001127221.2, NM_001174080.2 and 1 more transcripts); short protein forms E318A.
Identifiers: ClinVar variation 5016532 (VCV005016532.1).

ClinVar aggregate classification (germline): Uncertain significance (1 of 4 stars; one submission).

Conditions:
Ataxia. Identifiers: MedGen C0004134, HP:0001251.

Submission:

Clinical Genetics Laboratory, Skane University Hospital Lund
Classification: Uncertain significance for Ataxia. Last evaluated: 2026-10-08. Review status: criteria provided, single submitter. Criteria: ACMG Guidelines, 2015. Collection method: clinical testing. Allele origin: germline. Affected: yes.
Comment: PM1, PM2, PP3